The following is an entry in ClinVar:

ClinVar aggregate classification (germline): Uncertain significance. Review status: criteria provided, multiple submitters, no conflicts (2 of 4 stars). 2 submissions from 2 submitters: Uncertain significance (2). Last evaluated 2022-11-20.

Conditions:
Hereditary cancer-predisposing syndrome. Also called: Hereditary neoplastic syndrome; Neoplastic Syndromes, Hereditary; Tumor predisposition; Hereditary Cancer Syndrome. Identifiers: Orphanet 140162, MedGen C0027672, MeSH D009386, MONDO:0015356.
Familial adenomatous polyposis 1 (FAP1). Also called: FAMILIAL ADENOMATOUS POLYPOSIS 1, ATTENUATED; POLYPOSIS, ADENOMATOUS INTESTINAL. Identifiers: MedGen C2713442, MONDO:0021056, OMIM 175100. Disease mechanism: loss of function.

Allele frequency attached by ClinVar (database versions not stated): gnomAD exomes below 0.00001.
gnomAD v4.1: 6 of 1,613,822 alleles (0.00037%); highest among the groups gnomAD compares: Non-Finnish European, 0.00042%; no homozygotes.

Submissions (2):

Ambry Genetics
Classification: Uncertain significance for Hereditary cancer-predisposing syndrome. Last evaluated: 2022-11-20. Review status: criteria provided, single submitter. Criteria: Ambry Variant Classification Scheme 2023. Collection method: clinical testing. Allele origin: germline.
Comment: The p.K1770N variant (also known as c.5310G>T), located in coding exon 15 of the APC gene, results from a G to T substitution at nucleotide position 5310. The lysine at codon 1770 is replaced by asparagine, an amino acid with similar properties. This amino acid position is conserved. In addition, in silico predictors for this gene do not accurately predict pathogenicity. Since supporting evidence is limited at this time, the clinical significance of this alteration remains unclear.

Labcorp Genetics (formerly Invitae), Labcorp
Classification: Uncertain significance for Familial adenomatous polyposis 1. Last evaluated: 2022-04-23. Review status: criteria provided, single submitter. Criteria: Invitae Variant Classification Sherloc (09022015). Collection method: clinical testing. Allele origin: germline.
Comment: This variant has not been reported in the literature in individuals affected with APC-related conditions. This variant is not present in population databases (gnomAD no frequency). This sequence change replaces lysine, which is basic and polar, with asparagine, which is neutral and polar, at codon 1770 of the APC protein (p.Lys1770Asn). ClinVar contains an entry for this variant (Variation ID: 1035716). Algorithms developed to predict the effect of missense changes on protein structure and function (SIFT, PolyPhen-2, Align-GVGD) all suggest that this variant is likely to be tolerated. In summary, the available evidence is currently insufficient to determine the role of this variant in disease. Therefore, it has been classified as a Variant of Uncertain Significance.

NM_000038.6(APC):c.5310G>T (p.Lys1770Asn)

Gene: APC (APC regulator of Wnt signaling pathway; plus strand). Cytogenetic location: 5q22.2.
Variant type: single nucleotide variant.
Coding change: c.5310G>T on transcript NM_000038.6 (MANE Select); coding-DNA position 5310, G replaced by T.
Protein change: p.Lys1770Asn; replaces lysine 1770 with asparagine.
Molecular consequence: missense variant.
Genome position (GRCh38, 1-based): chr5:112,840,904, G>T. VCF-style: chr5-112840904-G-T. GRCh37 (hg19) VCF-style: chr5-112176601-G-T.
Other names: c.5310G>T, p.Lys1770Asn (NM_001127510.3, NM_001354895.2); c.5256G>T, p.Lys1752Asn (NM_001127511.3); c.5364G>T, p.Lys1788Asn (NM_001354896.2); c.5340G>T, p.Lys1780Asn (NM_001354897.2); c.5235G>T, p.Lys1745Asn (NM_001354898.2); c.5226G>T, p.Lys1742Asn (NM_001354899.2); c.5187G>T, p.Lys1729Asn (NM_001354900.2); c.5133G>T, p.Lys1711Asn (NM_001354901.2); and 6 more; short protein forms K1487N, K1610N, K1644N, K1711N, K1745N, K1752N, K1679N, K1770N.
Identifiers: ClinVar variation 1035716 (VCV001035716.10), dbSNP rs764737975, ClinGen allele CA16032942.